The following continues an entry in ClinVar:

NM_001276345.2(TNNT2):c.451C>T (p.Arg151Trp)

Gene: TNNT2. ClinVar aggregate classification (germline): Pathogenic/Likely pathogenic. Pathogenic (18); Likely pathogenic (1).

Submissions 13 to 22 of 22:

Women's Health and Genetics/Laboratory Corporation of America, LabCorp
Classification: Pathogenic for Cardiomyopathy. Last evaluated: 2021-04-15. Review status: criteria provided, single submitter. Criteria: LabCorp Variant Classification Summary - May 2015. Collection method: clinical testing. Allele origin: germline.
Comment: Variant summary: TNNT2 c.421C>T (p.Arg141Trp) results in a non-conservative amino acid change in the encoded protein sequence. Five of five in-silico tools predict a damaging effect of the variant on protein function. The variant was absent in 250316 control chromosomes. c.421C>T has been reported in the literature in multiple individuals affected with Cardiomyopathy (e.g. Li_2001, Millart_2011, Alfares_2015, Long_2015, Walsh_2016). These data indicate that the variant is very likely to be associated with disease. In a large multi-generational family study, the variant was detected in at least 14 affected family members, although several unaffected individuals also carried the variant, suggesting incomplete penetrance (e.g. Li_2001). The variant has also been reported as a de-novo mutation in an individual with sporadic disease (e.g. Long_2015). Multiple publications report in-vitro or in-vivo experimental evidence that the variant results in calcium desensitization in cardiac muscle fibers (e.g. Lu_2003, Mirza_2005, Gollapudi_2015). Five other clinical diagnostic laboratories have submitted clinical-significance assessments for this variant to ClinVar after 2014 without evidence for independent evaluation. All laboratories cited the variant as pathogenic. Based on the evidence outlined above, the variant was classified as pathogenic.

Center of Genomic medicine, Geneva, University Hospital of Geneva
Classification: Pathogenic for Familial isolated dilated cardiomyopathy. Last evaluated: 2018-04-20. Review status: criteria provided, single submitter. Criteria: ACMG Guidelines, 2015. Collection method: clinical testing. Allele origin: de novo. Affected: yes. Observed: 1 variant allele.

Eurofins Ntd Llc (ga)
Classification: Pathogenic. Last evaluated: 2016-12-12. Review status: criteria provided, single submitter. Criteria: EGL Classification Definitions 2015. Collection method: clinical testing. Allele origin: germline. Observed: 1 variant allele, 1 heterozygote.

Center for Medical Genetics Ghent, University of Ghent
Classification: Pathogenic for Dilated cardiomyopathy 1D. Last evaluated: 2016-01-01. Review status: criteria provided, single submitter. Criteria: ACMG Guidelines, 2015. Collection method: clinical testing. Allele origin: germline. Affected: yes.

Laboratory for Molecular Medicine, Mass General Brigham Personalized Medicine
Classification: Pathogenic for Hypertrophic cardiomyopathy; Primary dilated cardiomyopathy. Last evaluated: 2015-05-12. Review status: criteria provided, single submitter. Criteria: LMM Criteria. Collection method: clinical testing. Allele origin: germline. Inheritance: Autosomal dominant inheritance. Observed: 12 variant alleles.
Comment: The p.Arg141Trp variant in TNNT2 has been reported in 3 individuals with DCM and segregated with disease in 16 affected relative from 2 families (Li 2001, Villa rd 2005) Additionally, the variant occurred de novo in 1 individual with LVNC (K laassan 2008). This variant has also been identified by our laboratory in 10 ind ividuals with cardiomyopathy, most of whom were diagnosed with DCM at very young ages (<10 years), segregated with disease in 1 affected relative, and occurred de novo in 1 individual. This variant was absent from large population studies. In vitro functional studies provide some evidence that the p.Arg141Trp variant m ay impact protein function (Lu 2003, Venkatraman 2003, Venkatraman 2005, Mirza 2 005, Robinson 2007, Liu 2012, Memo 2013, Sommerse 2013). In summary, this varian t meets our criteria to be classified as pathogenic for DCM in an autosomal domi nant manner based upon segreg ation studies, absence from controls, and functional evidence.

Clinical Genetics Service, Universitary Hospital 12 de Octubre
Classification: Pathogenic for Dilated cardiomyopathy 1D. Review status: criteria provided, single submitter. Criteria: ACMG Guidelines, 2015. Collection method: clinical testing. Allele origin: germline. Affected: yes.

Neuberg Centre For Genomic Medicine, NCGM
Classification: Pathogenic for Dilated cardiomyopathy 1D. Review status: criteria provided, single submitter. Criteria: ACMG Guidelines, 2015. Collection method: clinical testing. Allele origin: germline. Inheritance: Autosomal dominant inheritance. Affected: yes.
Comment: The missense variant c.451C>T (p.Arg151Trp) in TNNT2 gene has been reported in individuals and families affected with dilated cardiomyopathy (Li D et.al.,2001). This variant has been reported to the ClinVar database as Pathogenic .The p.Arg151Trp variant is novel (not in any individuals) in gnomAD Exomes and 1000 Genomes. The amino acid Arg at position 151 is changed to a Trp changing protein sequence and it might alter its composition and physico-chemical properties. The variant is predicted to be damaging by both SIFT and PolyPhen2. The residue is conserved across species. The amino acid change p.Arg151Trp in TNNT2 is predicted as conserved by GERP++ and PhyloP across 100 vertebrates. For these reasons, this variant has been classified as Pathogenic .

OMIM
Classification: Pathogenic for CARDIOMYOPATHY, DILATED, 1D. Last evaluated: 2001-10-30. Review status: no assertion criteria provided. Collection method: literature only. Allele origin: germline. Not counted in ClinVar's aggregate classification.

Clinical Genetics DNA and cytogenetics Diagnostics Lab, Erasmus MC, Erasmus Medical Center
Classification: Pathogenic. Review status: no assertion criteria provided. Collection method: clinical testing. Allele origin: germline. Affected: yes. Study: VKGL Data-share Consensus. Not counted in ClinVar's aggregate classification.

Diagnostic Laboratory, Department of Genetics, University Medical Center Groningen
Classification: Pathogenic. Review status: no assertion criteria provided. Collection method: clinical testing. Allele origin: germline. Affected: yes. Study: VKGL Data-share Consensus. Not counted in ClinVar's aggregate classification.

Literature cited by the submitters: PubMed 11684629 (cited by 6 submitters); PubMed 15769782 (cited by 3 submitters); PubMed 21846512 (cited by Labcorp Genetics (formerly Invitae), Labcorp and Women's Health and Genetics/Laboratory Corporation of America, LabCorp); PubMed 24992688 (cited by Labcorp Genetics (formerly Invitae), Labcorp); PubMed 26656454 (cited by 4 submitters); PubMed 14654368 (cited by 3 submitters); PubMed 18349139 (cited by Labcorp Genetics (formerly Invitae), Labcorp); PubMed 18606313 (cited by Labcorp Genetics (formerly Invitae), Labcorp); PubMed 23539503 (cited by Labcorp Genetics (formerly Invitae), Labcorp and Laboratory for Molecular Medicine, Mass General Brigham Personalized Medicine); PubMed 24367593 (cited by Labcorp Genetics (formerly Invitae), Labcorp and Laboratory for Molecular Medicine, Mass General Brigham Personalized Medicine); PubMed 15923195 (cited by 3 submitters); PubMed 17932326 (cited by Ambry Genetics and Laboratory for Molecular Medicine, Mass General Brigham Personalized Medicine); PubMed 18506004 (cited by Ambry Genetics and Laboratory for Molecular Medicine, Mass General Brigham Personalized Medicine); PubMed 22675533 (cited by Ambry Genetics and Laboratory for Molecular Medicine, Mass General Brigham Personalized Medicine); PubMed 24503780 (cited by Ambry Genetics); PubMed 25611685 (cited by Ambry Genetics and Women's Health and Genetics/Laboratory Corporation of America, LabCorp); PubMed 25681424 (cited by Ambry Genetics and Women's Health and Genetics/Laboratory Corporation of America, LabCorp); PubMed 27532257 (cited by Ambry Genetics and Women's Health and Genetics/Laboratory Corporation of America, LabCorp); PubMed 32746448 (cited by Ambry Genetics); PubMed 34935411 (cited by Ambry Genetics); PubMed 35288587 (cited by Ambry Genetics); PubMed 18612386 (cited by Victorian Clinical Genetics Services, Murdoch Childrens Research Institute); PubMed 26507537 (cited by Victorian Clinical Genetics Services, Murdoch Childrens Research Institute); PubMed 32098556 (cited by Victorian Clinical Genetics Services, Murdoch Childrens Research Institute); PubMed 33025817 (cited by Victorian Clinical Genetics Services, Murdoch Childrens Research Institute); PubMed 12923187 (cited by Center for Medical Genetics Ghent, University of Ghent and Laboratory for Molecular Medicine, Mass General Brigham Personalized Medicine); PubMed 15623536 (cited by Center for Medical Genetics Ghent, University of Ghent and Laboratory for Molecular Medicine, Mass General Brigham Personalized Medicine); PubMed 19253838 (cited by Laboratory for Molecular Medicine, Mass General Brigham Personalized Medicine).